The following is an entry in ClinVar:

ClinVar aggregate classification (germline): Uncertain significance. Review status: criteria provided, multiple submitters, no conflicts (2 of 4 stars). 2 submissions from 2 submitters: Uncertain significance (2). Last evaluated 2025-10-22.

Conditions:
Cardiovascular phenotype. Identifiers: MedGen CN230736.
Progressive familial heart block type IB (PFHB1B). Identifiers: Orphanet 871, MedGen C1970298, MONDO:0011474, OMIM 604559.

Allele frequency attached by ClinVar (database versions not stated): ExAC 0.00013; TOPMed 0.00001; gnomAD exomes 0.00002; gnomAD 0.00001.
gnomAD v4.1: 37 of 1,614,006 alleles (0.0023%); highest among the groups gnomAD compares: Non-Finnish European, 0.0031%; 1 homozygote.

Submissions (2):

Labcorp Genetics (formerly Invitae), Labcorp
Classification: Uncertain significance for Progressive familial heart block type IB. Last evaluated: 2025-10-22. Review status: criteria provided, single submitter. Criteria: Invitae Variant Classification Sherloc (09022015). Collection method: clinical testing. Allele origin: germline.
Comment: This sequence change replaces alanine, which is neutral and non-polar, with glutamic acid, which is acidic and polar, at codon 572 of the TRPM4 protein (p.Ala572Glu). This variant is present in population databases (rs200860926, gnomAD 0.01%), including at least one homozygous and/or hemizygous individual. This variant has not been reported in the literature in individuals affected with TRPM4-related conditions. ClinVar contains an entry for this variant (Variation ID: 2448579). An algorithm developed to predict the effect of missense changes on protein structure and function (PolyPhen-2) suggests that this variant is likely to be tolerated. In summary, the available evidence is currently insufficient to determine the role of this variant in disease. Therefore, it has been classified as a Variant of Uncertain Significance.

Ambry Genetics
Classification: Uncertain significance for Cardiovascular phenotype. Last evaluated: 2022-11-20. Review status: criteria provided, single submitter. Criteria: Ambry Variant Classification Scheme 2023. Collection method: clinical testing. Allele origin: germline.
Comment: The p.A572E variant (also known as c.1715C>A), located in coding exon 12 of the TRPM4 gene, results from a C to A substitution at nucleotide position 1715. The alanine at codon 572 is replaced by glutamic acid, an amino acid with dissimilar properties. This amino acid position is conserved. In addition, this alteration is predicted to be tolerated by in silico analysis. Since supporting evidence is limited at this time, the clinical significance of this alteration remains unclear.

NM_017636.4(TRPM4):c.1715C>A (p.Ala572Glu)

Gene: TRPM4 (transient receptor potential cation channel subfamily M member 4; plus strand). Cytogenetic location: 19q13.33.
Variant type: single nucleotide variant.
Coding change: c.1715C>A on transcript NM_017636.4 (MANE Select); coding-DNA position 1715, C replaced by A.
Protein change: p.Ala572Glu; replaces alanine 572 with glutamic acid.
Molecular consequence: missense variant.
Genome position (GRCh38, 1-based): chr19:49,183,184, C>A. VCF-style: chr19-49183184-C-A. GRCh37 (hg19) VCF-style: chr19-49686441-C-A.
Other names: c.1715C>A, p.Ala572Glu (NM_001195227.2); c.1370C>A, p.Ala457Glu (NM_001321281.2); c.107C>A, p.Ala36Glu (NM_001321282.2); c.1193C>A, p.Ala398Glu (NM_001321283.2); c.653C>A, p.Ala218Glu (NM_001321285.2); short protein forms A457E, A218E, A36E, A398E, A572E.
Identifiers: ClinVar variation 2448579 (VCV002448579.4), dbSNP rs200860926, ClinGen allele CA9569280.